The following is an entry in ClinVar:

ClinVar aggregate classification (germline): Likely benign (0 of 4 stars; one submission).

Conditions:
CPE-related disorder. Also called: CPE-related condition.

gnomAD v4.1: 4 of 1,613,498 alleles (0.00025%); highest among the groups gnomAD compares: Non-Finnish European, 0.00025%; no homozygotes.

Submission:

PreventionGenetics, part of Exact Sciences
Classification: Likely benign for CPE-related condition. Last evaluated: 2020-03-27. Review status: no assertion criteria provided. Collection method: clinical testing. Allele origin: germline.
Comment: This variant is classified as likely benign based on ACMG/AMP sequence variant interpretation guidelines (Richards et al. 2015 PMID: 25741868, with internal and published modifications).

NM_001873.4(CPE):c.456C>T (p.His152=)

Gene: CPE (carboxypeptidase E; plus strand). Cytogenetic location: 4q32.3.
Variant type: single nucleotide variant.
Coding change: c.456C>T on transcript NM_001873.4 (MANE Select); coding-DNA position 456, C replaced by T.
Protein change: p.His152=; no amino-acid change (histidine 152 retained).
Molecular consequence: synonymous variant.
Genome position (GRCh38, 1-based): chr4:165,464,538, C>T. VCF-style: chr4-165464538-C-T. GRCh37 (hg19) VCF-style: chr4-166385690-C-T.
Identifiers: ClinVar variation 3352687 (VCV003352687.1).